The following is an entry in ClinVar:

ClinVar aggregate classification (germline): Uncertain significance (1 of 4 stars; one submission).

Conditions:
Peutz-Jeghers syndrome (PJS). Also called: POLYPOSIS, HAMARTOMATOUS INTESTINAL; POLYPS-AND-SPOTS SYNDROME; Peutz-Jeghers polyposis; Periorificial lentiginosis syndrome. Identifiers: Orphanet 2869, MedGen C0031269, MeSH D010580, MONDO:0008280, OMIM 175200.

Submission:

Labcorp Genetics (formerly Invitae), Labcorp
Classification: Uncertain significance for Peutz-Jeghers syndrome. Last evaluated: 2021-05-16. Review status: criteria provided, single submitter. Criteria: Invitae Variant Classification Sherloc (09022015). Collection method: clinical testing. Allele origin: germline.
Comment: This variant has not been reported in the literature in individuals with STK11-related conditions. This variant is not present in population databases (ExAC no frequency). This sequence change replaces isoleucine with asparagine at codon 300 of the STK11 protein (p.Ile300Asn). The isoleucine residue is moderately conserved and there is a large physicochemical difference between isoleucine and asparagine. Advanced modeling of protein sequence and biophysical properties (such as structural, functional, and spatial information, amino acid conservation, physicochemical variation, residue mobility, and thermodynamic stability) performed at Invitae indicates that this missense variant is expected to disrupt STK11 protein function. In summary, the available evidence is currently insufficient to determine the role of this variant in disease. Therefore, it has been classified as a Variant of Uncertain Significance.

NM_000455.5(STK11):c.899T>A (p.Ile300Asn)

Gene: STK11 (serine/threonine kinase 11; plus strand). Cytogenetic location: 19p13.3.
Variant type: single nucleotide variant.
Coding change: c.899T>A on transcript NM_000455.5 (MANE Select); coding-DNA position 899, T replaced by A.
Protein change: p.Ile300Asn; replaces isoleucine 300 with asparagine.
Molecular consequence: missense variant.
Genome position (GRCh38, 1-based): chr19:1,221,985, T>A. VCF-style: chr19-1221985-T-A. GRCh37 (hg19) VCF-style: chr19-1221984-T-A.
Other names: short protein forms I300N.
Identifiers: ClinVar variation 1353872 (VCV001353872.8), dbSNP rs2145428790, ClinGen allele CA402951275.